The following is an entry in ClinVar:

NM_001909.5(CTSD):c.89C>T (p.Thr30Met)

Genes: CTSD (cathepsin D; minus strand), PRADX (PRC2 and DDX5 associated lncRNA; plus strand). Cytogenetic location: 11p15.5.
Variant type: single nucleotide variant.
Coding change: c.89C>T on transcript NM_001909.5 (MANE Select); coding-DNA position 89, C replaced by T.
Protein change: p.Thr30Met; replaces threonine 30 with methionine.
Molecular consequence: missense variant.
Genome position (GRCh38, 1-based): chr11:1,761,448, G>A on the plus strand (C>T on the coding strand, the complement: CTSD is on the minus strand). VCF-style: chr11-1761448-G-A. GRCh37 (hg19) VCF-style: chr11-1782678-G-A.
Other names: short protein forms T30M.
Identifiers: ClinVar variation 449144 (VCV000449144.13), dbSNP rs747274524, ClinGen allele CA5814297.
Genomic context (GRCh38, chr11:1,761,448, plus strand): 5'-CCTTTGGCAATCAGGTCCTCCACAGAGCCCCCAACCTCCGACATGGTCCGGCGGATGGAC[G>A]TGAACTTGTGCAGCGGGATCCTGTCAACCACGGGTCGGGGCATATCAGGGAGGCCCTCCC-3'
Protein context (NP_001900.1, residues 20-40): ALVRIPLHKF[Thr30Met]SIRRTMSEVG

ClinVar aggregate classification (germline): Uncertain significance. Review status: criteria provided, multiple submitters, no conflicts (2 of 4 stars). 3 submissions from 3 submitters: Uncertain significance (3). Last evaluated 2024-10-24.

Conditions:
Neuronal ceroid lipofuscinosis. Also called: Neuronal Ceroid Lipofuscinoses. Identifiers: Orphanet 216, Orphanet 79263, MedGen C0027877, MONDO:0016295. Disease mechanism: loss of function.
Inborn genetic diseases. Identifiers: MedGen C0950123, MeSH D030342.

Allele frequency attached by ClinVar (database versions not stated): gnomAD 0.00001; gnomAD exomes 0.00001 and 0.00002; TOPMed 0.00002; ExAC 0.00003.
gnomAD v4.1: 23 of 1,613,742 alleles (0.0014%); highest among the groups gnomAD compares: Non-Finnish European, 0.0016%; no homozygotes.

Submissions (3):

Labcorp Genetics (formerly Invitae), Labcorp
Classification: Uncertain significance for Neuronal ceroid lipofuscinosis. Last evaluated: 2024-10-24. Review status: criteria provided, single submitter. Criteria: Invitae Variant Classification Sherloc (09022015). Collection method: clinical testing. Allele origin: germline.
Comment: This sequence change replaces threonine, which is neutral and polar, with methionine, which is neutral and non-polar, at codon 30 of the CTSD protein (p.Thr30Met). This variant is present in population databases (rs747274524, gnomAD 0.004%). This variant has not been reported in the literature in individuals affected with CTSD-related conditions. ClinVar contains an entry for this variant (Variation ID: 449144). An algorithm developed to predict the effect of missense changes on protein structure and function (PolyPhen-2) suggests that this variant is likely to be disruptive. In summary, the available evidence is currently insufficient to determine the role of this variant in disease. Therefore, it has been classified as a Variant of Uncertain Significance.

Ambry Genetics
Classification: Uncertain significance for Inborn genetic diseases. Last evaluated: 2023-12-13. Review status: criteria provided, single submitter. Criteria: Ambry Variant Classification Scheme 2023. Collection method: clinical testing. Allele origin: germline.

GeneDx
Classification: Uncertain significance. Last evaluated: 2018-06-15. Review status: criteria provided, single submitter. Criteria: GeneDx Variant Classification (06012015). Collection method: clinical testing. Allele origin: germline. Affected: yes.
Comment: A variant of uncertain significance has been identified in the CTSD gene. The T30M variant has not been published as a pathogenic variant, nor has it been reported as a benign variant to our knowledge. The T30M variant is observed in 1/22284 (0.005%) alleles from individuals of European background (Lek et al., 2016). The T30M variant is a non-conservative amino acid substitution, which is likely to impact secondary protein structure as these residues differ in polarity, charge, size and/or other properties. However, this substitution occurs at a position that is not conserved; and in silico analysis predicts this variant likely does not alter the protein structure/function. Therefore, based on the currently available information, it is unclear whether this variant is a pathogenic variant or a rare benign variant.